The following is an entry in ClinVar:

NM_000038.6(APC):c.1685C>A (p.Thr562Lys)

Gene: APC (APC regulator of Wnt signaling pathway; plus strand). Cytogenetic location: 5q22.2.
Variant type: single nucleotide variant.
Coding change: c.1685C>A on transcript NM_000038.6 (MANE Select); coding-DNA position 1685, C replaced by A.
Protein change: p.Thr562Lys; replaces threonine 562 with lysine.
Molecular consequence: missense variant.
Genome position (GRCh38, 1-based): chr5:112,828,914, C>A. VCF-style: chr5-112828914-C-A. GRCh37 (hg19) VCF-style: chr5-112164611-C-A.
Other names: c.1685C>A, p.Thr562Lys (NM_001127510.3, NM_001354895.2); c.1631C>A, p.Thr544Lys (NM_001127511.3); c.1739C>A, p.Thr580Lys (NM_001354896.2); c.1715C>A, p.Thr572Lys (NM_001354897.2); c.1610C>A, p.Thr537Lys (NM_001354898.2); c.1601C>A, p.Thr534Lys (NM_001354899.2); c.1562C>A, p.Thr521Lys (NM_001354900.2); c.1508C>A, p.Thr503Lys (NM_001354901.2); and 5 more; short protein forms T402K, T279K, T461K, T503K, T521K, T534K, T562K, T580K.
Identifiers: ClinVar variation 819831 (VCV000819831.9), dbSNP rs587783034, ClinGen allele CA16024993.

ClinVar aggregate classification (germline): Uncertain significance. Review status: criteria provided, multiple submitters, no conflicts (2 of 4 stars). 2 submissions from 2 submitters: Uncertain significance (2). Last evaluated 2025-05-22.

Conditions:
Familial adenomatous polyposis 1 (FAP1). Also called: FAMILIAL ADENOMATOUS POLYPOSIS 1, ATTENUATED; POLYPOSIS, ADENOMATOUS INTESTINAL. Identifiers: MedGen C2713442, MONDO:0021056, OMIM 175100. Disease mechanism: loss of function.
Hereditary cancer-predisposing syndrome. Also called: Neoplastic Syndromes, Hereditary; Tumor predisposition; Hereditary Cancer Syndrome; Hereditary neoplastic syndrome. Identifiers: Orphanet 140162, MedGen C0027672, MeSH D009386, MONDO:0015356.

Submissions (2):

Labcorp Genetics (formerly Invitae), Labcorp
Classification: Uncertain significance for Familial adenomatous polyposis 1. Last evaluated: 2025-05-22. Review status: criteria provided, single submitter. Criteria: Invitae Variant Classification Sherloc (09022015). Collection method: clinical testing. Allele origin: germline.
Comment: This sequence change replaces threonine, which is neutral and polar, with lysine, which is basic and polar, at codon 562 of the APC protein (p.Thr562Lys). This variant is not present in population databases (gnomAD no frequency). This variant has not been reported in the literature in individuals affected with APC-related conditions. ClinVar contains an entry for this variant (Variation ID: 819831). Invitae Evidence Modeling of protein sequence and biophysical properties (such as structural, functional, and spatial information, amino acid conservation, physicochemical variation, residue mobility, and thermodynamic stability) indicates that this missense variant is not expected to disrupt APC protein function with a negative predictive value of 95%. In summary, the available evidence is currently insufficient to determine the role of this variant in disease. Therefore, it has been classified as a Variant of Uncertain Significance.

Ambry Genetics
Classification: Uncertain significance for Hereditary cancer-predisposing syndrome. Last evaluated: 2018-07-13. Review status: criteria provided, single submitter. Criteria: Ambry Variant Classification Scheme 2023. Collection method: clinical testing. Allele origin: germline.
Comment: The p.T562K variant (also known as c.1685C>A), located in coding exon 13 of the APC gene, results from a C to A substitution at nucleotide position 1685. The threonine at codon 562 is replaced by lysine, an amino acid with similar properties. This amino acid position is highly conserved in available vertebrate species. In addition, in silico predictors for this gene do not accurately predict pathogenicity. Since supporting evidence is limited at this time, the clinical significance of this alteration remains unclear.